The following is an entry in ClinVar:

ClinVar aggregate classification (germline): Uncertain significance (1 of 4 stars; one submission).

Allele frequency attached by ClinVar (database versions not stated): gnomAD exomes below 0.00001; ExAC 0.00001; 1000 Genomes Project 30x 0.00016; 1000 Genomes Project 0.00020; gnomAD 0.00001.
gnomAD v4.1: 2 of 1,613,028 alleles (0.00012%); highest among the groups gnomAD compares: African/African-American, 0.0013%; no homozygotes.

Submission:

GeneDx
Classification: Uncertain significance. Last evaluated: 2024-06-11. Review status: criteria provided, single submitter. Criteria: GeneDx Variant Classification Process June 2021. Collection method: clinical testing. Allele origin: germline.
Comment: In silico analysis supports that this missense variant has a deleterious effect on protein structure/function; Has not been previously published as pathogenic or benign to our knowledge

NM_001321075.3(DLG4):c.373G>A (p.Val125Met)

Gene: DLG4 (discs large MAGUK scaffold protein 4; minus strand). Cytogenetic location: 17p13.1.
Variant type: single nucleotide variant.
Coding change: c.373G>A on transcript NM_001321075.3 (MANE Select); coding-DNA position 373, G replaced by A.
Protein change: p.Val125Met; replaces valine 125 with methionine.
Molecular consequence: missense variant. On other transcripts: non-coding transcript variant (1).
Genome position (GRCh38, 1-based): chr17:7,203,556, C>T on the plus strand (G>A on the coding strand, the complement: DLG4 is on the minus strand). VCF-style: chr17-7203556-C-T. GRCh37 (hg19) VCF-style: chr17-7106875-C-T.
Other names: c.364G>A, p.Val122Met (NM_001128827.4); c.493G>A, p.Val165Met (NM_001321074.1); c.193G>A, p.Val65Met (NM_001321076.3, NM_001321077.3); c.502G>A, p.Val168Met (NM_001365.5); c.292G>A, p.Val98Met (NM_001369566.3); short protein forms V122M, V125M, V165M, V168M, V65M, V98M.
Identifiers: ClinVar variation 1801078 (VCV001801078.2), dbSNP rs571720664, ClinGen allele CA8337206.